The following is an entry in ClinVar:

ClinVar aggregate classification (germline): Benign/Likely benign. Review status: criteria provided, multiple submitters, no conflicts (2 of 4 stars). 8 submissions from 8 submitters: Benign (4); Likely benign (2). 2 of the submissions do not count toward it. Last evaluated 2026-07-01.

Conditions:
PKD1-related disorder. Also called: PKD1-related condition.
Autosomal dominant polycystic kidney disease. Identifiers: Orphanet 730, MedGen C0085413, MONDO:0004691.
Polycystic kidney disease, adult type (PKD1). Also called: POLYCYSTIC KIDNEY DISEASE, ADULT, TYPE I; Polycystic Kidney, Autosomal Dominant; Polycystic Kidney Disease 1, Autosomal Dominant; Polycystic kidney disease 1; Polycystic kidney disease 1, severe; POLYCYSTIC KIDNEY DISEASE 1 WITH OR WITHOUT POLYCYSTIC LIVER DISEASE. Identifiers: MedGen C3149841, MONDO:0008263, OMIM 173900.

Allele frequency attached by ClinVar (database versions not stated): 1000 Genomes Project 0.00260; 1000 Genomes Project 30x 0.00265; ESP Exome Variant Server 0.00436; TOPMed 0.00442; gnomAD exomes 0.00539; gnomAD 0.00547 and 0.00559; ExAC 0.00716.
gnomAD v4.1: 9,031 of 1,512,366 alleles (0.6%); highest among the groups gnomAD compares: Non-Finnish European, 0.65%; 66 homozygotes.

Submissions (8):

CeGaT Center for Human Genetics Tuebingen
Classification: Likely benign. Last evaluated: 2026-07-01. Review status: criteria provided, single submitter. Criteria: CeGaT Center For Human Genetics Tuebingen Variant Classification Criteria Version 2. Collection method: clinical testing. Allele origin: germline. Affected: yes. Observed: 12 variant alleles.
Comment: PKD1: BP4, BS2

Athena Diagnostics
Classification: Benign. Last evaluated: 2025-07-11. Review status: criteria provided, single submitter. Criteria: Athena Diagnostics Criteria. Collection method: clinical testing. Allele origin: unknown.
Comment: The frequency of this variant in the general population is higher than would generally be expected for pathogenic variants in this gene.

Women's Health and Genetics/Laboratory Corporation of America, LabCorp
Classification: Benign. Last evaluated: 2025-04-28. Review status: criteria provided, single submitter. Criteria: LabCorp Variant Classification Summary - May 2015. Collection method: clinical testing. Allele origin: germline.
Comment: Variant summary: PKD1 c.8161+8G>A alters a nucleotide located at a position not widely known to affect splicing. Consensus agreement among computation tools predict no significant impact on normal splicing. However, these predictions have yet to be confirmed by functional studies. The variant allele was found at a frequency of 0.0054 in 151340 control chromosomes in the gnomAD database, including 5 homozygotes. The observed variant frequency exceeds the estimated maximal expected allele frequency for a pathogenic variant in PKD1 causing PKD1-Biallelic Autosomal Recessive Polycystic Kidney Disease phenotype. To our knowledge, no occurrence of c.8161+8G>A in individuals affected with PKD1-Biallelic Autosomal Recessive Polycystic Kidney Disease and no experimental evidence demonstrating its impact on protein function have been reported. ClinVar contains an entry for this variant (Variation ID: 257014). Based on the evidence outlined above, the variant was classified as benign.

Blueprint Genetics
Classification: Benign. Last evaluated: 2024-11-25. Review status: criteria provided, single submitter. Criteria: ACMG Guidelines, 2015. Collection method: clinical testing. Allele origin: germline.

Fulgent Genetics
Classification: Likely benign for Polycystic kidney disease, adult type. Last evaluated: 2021-07-21. Review status: criteria provided, single submitter. Criteria: ACMG Guidelines, 2015. Collection method: clinical testing. Allele origin: unknown.

ARUP Laboratories, Molecular Genetics and Genomics, ARUP Laboratories
Classification: Benign for Polycystic kidney disease, adult type. Last evaluated: 2020-01-29. Review status: criteria provided, single submitter. Criteria: ARUP Molecular Germline Variant Investigation Process. Collection method: clinical testing. Allele origin: germline.

PreventionGenetics, part of Exact Sciences
Classification: Benign for PKD1-related condition. Last evaluated: 2019-08-29. Review status: no assertion criteria provided. Collection method: clinical testing. Allele origin: germline. Not counted in ClinVar's aggregate classification.
Comment: This variant is classified as benign based on ACMG/AMP sequence variant interpretation guidelines (Richards et al. 2015 PMID: 25741868, with internal and published modifications).

Department of Pathology and Laboratory Medicine, Sinai Health System
Classification: Benign for Autosomal dominant polycystic kidney disease. Review status: no assertion criteria provided. Collection method: clinical testing. Allele origin: unknown. Affected: yes. Study: The Canadian Open Genetics Repository (COGR). Not counted in ClinVar's aggregate classification.
Comment: The PKD1 c.8161+8G>A variant was identified in 3 of 550 proband chromosomes (frequency: 0.005) from individuals or families with ADPKD (Rossetti 2002, Rossetti 2012). The variant was also identified in dbSNP (ID: rs199569003) as â€šÃ„ÃºNAâ€šÃ„Ã¹. In 1000 Genomes Project the variant is identified in 13 of 5000 chromosomes (frequency: 0.0026); in NHLBI GO Exome Sequencing Project in 46 of 7726 European American (frequency: 0.006) and in 4 of 3742 African American alleles (frequency: 0.001). The variant was identified in the Exome Aggregation Consortium database (March 2016) in 133 (4 homozygous) of 18570 chromosomes (freq. 0.007) in the following populations: Finnish in 5 of 120 chromosomes (freq. 0.04), other in 4 of 168 chromosomes (freq. 0.02), European (Non-Finnish) in 74 of 7230 chromosomes (freq. 0.01), Latino in 6 of 660 chromosomes (freq. 0.009), African in 6 of 1220 chromosomes (freq. 0.005) and South Asian in 38 of 8060 chromosomes (freq. 0.005), but was not seen in the East Asian population, increasing the likelihood this could be a low frequency benign variant. The variant is also identified in GeneInsight COGR (classified as benign) and in ADPKD database 4x as likely neutral. The c.8161+8G>A variant is located in the 5' splice region but does not affect the invariant +1 and +2 positions. In silico or computational prediction software programs (SpliceSiteFinder, MaxEntScan, NNSPLICE, GeneSplicer, HumanSpliceFinder) do not predict a difference in splicing. In summary, based on the above information, this variant meets our laboratory's criteria to be classified as benign.

Literature cited by the submitters: PubMed 11967008 (cited by Athena Diagnostics).

NM_001009944.3(PKD1):c.8161+8G>A

Gene: PKD1 (polycystin 1, transient receptor potential channel interacting; minus strand). Cytogenetic location: 16p13.3.
Variant type: single nucleotide variant.
Coding change: c.8161+8G>A on transcript NM_001009944.3 (MANE Select); 8 bases into the intron after coding-DNA position 8161, G replaced by A.
Molecular consequence: intron variant.
Genome position (GRCh38, 1-based): chr16:2,104,490, C>T on the plus strand (G>A on the coding strand, the complement: PKD1 is on the minus strand). VCF-style: chr16-2104490-C-T. GRCh37 (hg19) VCF-style: chr16-2154491-C-T.
Other names: c.8161+8G>A (NM_000296.4).
Identifiers: ClinVar variation 257014 (VCV000257014.44), dbSNP rs199569003, ClinGen allele CA7830700.